The following is an entry in ClinVar:

NM_130468.4(CHST14):c.145del (p.Ala48_Val49insTer)

Genes: CHST14 (carbohydrate sulfotransferase 14; plus strand), LOC130056851 (ATAC-STARR-seq lymphoblastoid silent region 6336; plus strand). Cytogenetic location: 15q15.1.
Variant type: Deletion.
Coding change: c.145del on transcript NM_130468.4 (MANE Select); coding-DNA position 145, one base deleted (G; older notation c.145delG).
Protein change: p.Ala48_Val49insTer.
Molecular consequence: nonsense.
Genome position (GRCh38, 1-based): chr15:40,471,358, G deleted; the last of 2 consecutive G bases (chr15:40,471,357-40,471,358); deleting either gives the same sequence. VCF-style (leftmost placement, unchanged base first): chr15-40471356-CG-C. GRCh37 (hg19) VCF-style: chr15-40763555-CG-C.
Other names: c.145delG (NM_130468.3).
Identifiers: ClinVar variation 2336 (VCV000002336.12), dbSNP rs397518432, ClinGen allele CA281521.

ClinVar aggregate classification (germline): Conflicting classifications of pathogenicity. Review status: criteria provided, conflicting classifications (1 of 4 stars). 5 submissions from 5 submitters: Pathogenic (3); Uncertain significance (1). 1 of the submissions does not count toward it. Last evaluated 2024-03-08.

Conditions:
CHST14-related disorder. Also called: CHST14-related condition.
Ehlers-Danlos syndrome, musculocontractural type 1. Identifiers: MedGen CN295219, MONDO:0020681, OMIM 601776.
Ehlers-Danlos syndrome, musculocontractural type (EDSMC). Also called: Adducted thumb, clubfoot, progressive joint and skin laxity syndrome; ADDUCTED THUMB-CLUBFOOT SYNDROME; ARTHROGRYPOSIS, DISTAL, WITH PECULIAR FACIES AND HYDRONEPHROSIS; DUNDAR SYNDROME. Identifiers: Orphanet 2953, MedGen C1866294, MONDO:0011142.

Submissions (5):

GeneDx
Classification: Pathogenic. Last evaluated: 2024-03-08. Review status: criteria provided, single submitter. Criteria: GeneDx Variant Classification Process June 2021. Collection method: clinical testing. Allele origin: germline. Affected: yes.
Comment: Not observed at significant frequency in large population cohorts (gnomAD); Nonsense variant predicted to result in protein truncation or nonsense mediated decay in a gene for which loss of function is a known mechanism of disease; This variant is associated with the following publications: (PMID: 22407744, 20842734, 9084938, 20004762, 34815299)

Blueprint Genetics
Classification: Pathogenic for CHST14-related disorders. Last evaluated: 2019-08-22. Review status: criteria provided, single submitter. Criteria: ACMG Guidelines, 2015. Collection method: clinical testing. Allele origin: germline. Affected: yes. Observed: 1 variant allele.

Institute of Human Genetics, University of Leipzig Medical Center
Classification: Uncertain significance for Ehlers-Danlos syndrome, musculocontractural type 1. Last evaluated: 2018-04-20. Review status: criteria provided, single submitter. Criteria: ACMG Guidelines, 2015. Collection method: clinical testing. Allele origin: germline. Affected: yes. Observed: 1 variant allele.

Eurofins Ntd Llc (ga)
Classification: Pathogenic. Last evaluated: 2016-04-07. Review status: criteria provided, single submitter. Criteria: EGL Classification Definitions 2015. Collection method: clinical testing. Allele origin: germline. Observed: 1 variant allele, 1 heterozygote.

OMIM
Classification: Pathogenic for EHLERS-DANLOS SYNDROME, MUSCULOCONTRACTURAL TYPE, 1. Last evaluated: 2010-11-01. Review status: no assertion criteria provided. Collection method: literature only. Allele origin: germline. Not counted in ClinVar's aggregate classification.

Literature cited by the submitters: PubMed 9084938 (cited by OMIM); PubMed 20004762 (cited by OMIM); PubMed 20842734 (cited by OMIM).